The following is an entry in ClinVar:

ClinVar aggregate classification (germline): Uncertain significance (1 of 4 stars; one submission).

Conditions:
Luscan-Lumish syndrome. Identifiers: Orphanet 597738, MedGen C4085873, MONDO:0014791, OMIM 616831.

Submission:

MGZ Medical Genetics Center
Classification: Uncertain significance for Luscan-Lumish syndrome. Last evaluated: 2022-02-26. Review status: criteria provided, single submitter. Criteria: ACMG Guidelines, 2015. Collection method: clinical testing. Allele origin: germline. Affected: yes. Observed: 2 variant alleles.
Comment: ACMG criteria applied: PM2_SUP, BP4

NM_014159.7(SETD2):c.5981G>A (p.Arg1994Lys)

Gene: SETD2 (SET domain containing 2, histone lysine methyltransferase; minus strand). Cytogenetic location: 3p21.31.
Variant type: single nucleotide variant.
Coding change: c.5981G>A on transcript NM_014159.7 (MANE Select); coding-DNA position 5981, G replaced by A.
Protein change: p.Arg1994Lys; replaces arginine 1994 with lysine.
Molecular consequence: missense variant. On other transcripts: non-coding transcript variant (1).
Genome position (GRCh38, 1-based): chr3:47,083,799, C>T on the plus strand (G>A on the coding strand, the complement: SETD2 is on the minus strand). VCF-style: chr3-47083799-C-T. GRCh37 (hg19) VCF-style: chr3-47125289-C-T.
Other names: c.5849G>A, p.Arg1950Lys (NM_001349370.3); short protein forms R1950K, R1994K.
Identifiers: ClinVar variation 1709108 (VCV001709108.2), dbSNP rs2545516111, ClinGen allele CA352530663.
Genomic context (GRCh38, chr3:47,083,799, plus strand): 5'-TCCAGGAGTTTGGTGGCCAAATCACTTATATCCACTGTTTTATCTGGCTGTTCTTGGCTC[C>T]TTTCACTCTCCACATCAGACACACCCTCCTCTTCATCTTGGGATGGTGTTTCTTCATTAA-3'
Protein context (NP_054878.5, residues 1984-2004): EEGVSDVESE[Arg1994Lys]SQEQPDKTVD